The following is an entry in ClinVar:

NM_000060.4:c.1316C>A

Variant type: single nucleotide variant.
Other names: c.1316C>A (NM_000060.4).
Identifiers: ClinVar variation 4532845 (VCV004532845.1).

ClinVar aggregate classification (germline): Pathogenic (1 of 4 stars; one submission).

Submission:

Quest Diagnostics Nichols Institute San Juan Capistrano
Classification: Pathogenic. Last evaluated: 2025-06-23. Review status: criteria provided, single submitter. Criteria: Quest Diagnostics criteria. Collection method: clinical testing. Allele origin: unknown.
Comment: The BTD c.1316C>A (p.Ala439Asp) variant has been reported in the published literature in as homozygous or compound heterozygous with a second pathogenic BTD variant in multiple individuals with biotinidase deficiency (PMID: 33312878 (2020), 28649532 (2015), 26203071 (2015)). Individuals homozygous for this variant are reported to be biotinidase deficient (PMID: 28649532 (2015), 26203071 (2015)), while an individual who is compound heterozygous with the c.1330G>C (p.Asp444His) variant was reported to be partially deficient (PMID: 33312878 (2020)). This variant has not been reported in large, multi-ethnic general populations (Genome Aggregation Database). Analysis of this variant using bioinformatics tools for the prediction of the effect of amino acid changes on protein structure and function yielded predictions that this variant is damaging. Based on the available information, this variant is classified as pathogenic.

Literature cited by the submitters: PubMed 26203071; PubMed 33312878; PubMed 28649532.